The following is an entry in ClinVar:

ClinVar aggregate classification (germline): Uncertain significance. Review status: criteria provided, multiple submitters, no conflicts (2 of 4 stars). 3 submissions from 3 submitters: Uncertain significance (2). 1 of the submissions does not count toward it. Last evaluated 2024-04-01.

Conditions:
Myofibrillar myopathy. Identifiers: Orphanet 593, MedGen C2678065, MONDO:0018943, HP:0003715.
Myofibrillar myopathy 4. Also called: Zaspopathy (type). Identifiers: Orphanet 98912, MedGen C4721886, MONDO:0012277, OMIM 609452.

Allele frequency attached by ClinVar (database versions not stated): gnomAD exomes below 0.00001 and 0.00001; TOPMed below 0.00001; ExAC 0.00001; gnomAD 0.00001.
gnomAD v4.1: 18 of 1,614,124 alleles (0.0011%); highest among the groups gnomAD compares: Non-Finnish European, 0.0015%; no homozygotes.

Submissions (3):

Labcorp Genetics (formerly Invitae), Labcorp
Classification: Uncertain significance for Myofibrillar myopathy 4. Last evaluated: 2024-04-01. Review status: criteria provided, single submitter. Criteria: Invitae Variant Classification Sherloc (09022015). Collection method: clinical testing. Allele origin: germline.
Comment: This sequence change replaces proline, which is neutral and non-polar, with leucine, which is neutral and non-polar, at codon 243 of the LDB3 protein (p.Pro243Leu). This variant is present in population databases (rs775180716, gnomAD 0.0009%). This variant has not been reported in the literature in individuals affected with LDB3-related conditions. ClinVar contains an entry for this variant (Variation ID: 253222). An algorithm developed to predict the effect of missense changes on protein structure and function (PolyPhen-2) suggests that this variant is likely to be disruptive. In summary, the available evidence is currently insufficient to determine the role of this variant in disease. Therefore, it has been classified as a Variant of Uncertain Significance.

Blueprint Genetics
Classification: Uncertain significance. Last evaluated: 2023-02-10. Review status: criteria provided, single submitter. Criteria: ACMG Guidelines, 2015. Collection method: clinical testing. Allele origin: germline.

Mitochondrial Research Group, Newcastle University
Classification: Pathogenic for Myofibrillar myopathy. Last evaluated: 2016-08-16. Review status: no assertion criteria provided. Collection method: clinical testing. Allele origin: unknown. Affected: yes. Observed: 1 variant allele. Not counted in ClinVar's aggregate classification.

Literature cited by the submitters: DOI 10.1016/j.nmd.2016.08.004 (cited by Mitochondrial Research Group, Newcastle University).

NM_007078.3(LDB3):c.869C>T (p.Pro290Leu)

Gene: LDB3 (LIM domain binding 3; plus strand). Cytogenetic location: 10q23.2.
Variant type: single nucleotide variant.
Coding change: c.869C>T on transcript NM_007078.3 (MANE Select); coding-DNA position 869, C replaced by T.
Protein change: p.Pro290Leu; replaces proline 290 with leucine.
Molecular consequence: missense variant.
Genome position (GRCh38, 1-based): chr10:86,692,544, C>T. VCF-style: chr10-86692544-C-T. GRCh37 (hg19) VCF-style: chr10-88452301-C-T.
Other names: c.728C>T, p.Pro243Leu (NM_001080114.2, NM_001080116.1, NM_001368066.1 and 2 more transcripts); c.869C>T, p.Pro290Leu (NM_001080115.2, NM_001368063.1, NM_001368064.1 and 1 more transcripts); c.1073C>T, p.Pro358Leu (NM_001171610.2, NM_001171611.2); short protein forms P243L, P290L, P358L.
Identifiers: ClinVar variation 253222 (VCV000253222.7), dbSNP rs775180716, ClinGen allele CA5584932.
Genomic context (GRCh38, chr10:86,692,544, plus strand): 5'-TCCTTGCTGTGTCTCCCGTGAGTCCCCTGACCAGCTCCTTTCTACCAACAGTGCAAGACC[C>T]TGATGAAGAAGCTCTGCGAAGGTCAAGGTAAGTGCCTGGACTCAGGCTCTGTGGCCTTGC-3'
Protein context (NP_009009.1, residues 280-300): QMTGTEFMQD[Pro290Leu]DEEALRRSST